The following is an entry in ClinVar:

ClinVar aggregate classification (germline): Uncertain significance. Review status: criteria provided, multiple submitters, no conflicts (2 of 4 stars). 3 submissions from 3 submitters: Uncertain significance (3). Last evaluated 2023-06-24.

Conditions:
Sulfite oxidase deficiency. Also called: Isolated sulfite oxidase deficiency. Identifiers: Orphanet 833, Orphanet 99731, MedGen C0268624, MONDO:0010089, OMIM 272300, HP:0003643.
SUOX-related disorder. Also called: SUOX-related condition.
Inborn genetic diseases. Identifiers: MedGen C0950123, MeSH D030342.

Allele frequency attached by ClinVar (database versions not stated): gnomAD exomes 0.00001; ExAC 0.00002; gnomAD 0.00003; TOPMed 0.00003.
gnomAD v4.1: 13 of 1,614,036 alleles (0.00081%); highest among the groups gnomAD compares: East Asian, 0.029%; no homozygotes.

Submissions (3):

PreventionGenetics, part of Exact Sciences
Classification: Uncertain significance for SUOX-related condition. Last evaluated: 2023-06-24. Review status: criteria provided, single submitter. Criteria: ACMG Guidelines, 2015. Collection method: clinical testing. Allele origin: germline.
Comment: The SUOX c.673C>G variant is predicted to result in the amino acid substitution p.Leu225Val. To our knowledge, this variant has not been reported in the literature. This variant is reported in 0.043% of alleles in individuals of East Asian descent in gnomAD. At this time, the clinical significance of this variant is uncertain due to the absence of conclusive functional and genetic evidence.

Ambry Genetics
Classification: Uncertain significance for Inborn genetic diseases. Last evaluated: 2022-06-10. Review status: criteria provided, single submitter. Criteria: Ambry Variant Classification Scheme 2023. Collection method: clinical testing. Allele origin: germline.

Labcorp Genetics (formerly Invitae), Labcorp
Classification: Uncertain significance for Sulfite oxidase deficiency. Last evaluated: 2022-05-11. Review status: criteria provided, single submitter. Criteria: Invitae Variant Classification Sherloc (09022015). Collection method: clinical testing. Allele origin: germline.
Comment: This sequence change replaces leucine, which is neutral and non-polar, with valine, which is neutral and non-polar, at codon 225 of the SUOX protein (p.Leu225Val). This variant is present in population databases (rs781406229, gnomAD 0.05%). This variant has not been reported in the literature in individuals affected with SUOX-related conditions. Algorithms developed to predict the effect of missense changes on protein structure and function output the following: SIFT: "Tolerated"; PolyPhen-2: "Benign"; Align-GVGD: "Class C0". The valine amino acid residue is found in multiple mammalian species, which suggests that this missense change does not adversely affect protein function. In summary, the available evidence is currently insufficient to determine the role of this variant in disease. Therefore, it has been classified as a Variant of Uncertain Significance.

NM_001032386.2(SUOX):c.673C>G (p.Leu225Val)

Gene: SUOX (sulfite oxidase; plus strand). Cytogenetic location: 12q13.2.
Variant type: single nucleotide variant.
Coding change: c.673C>G on transcript NM_001032386.2 (MANE Select); coding-DNA position 673, C replaced by G.
Protein change: p.Leu225Val; replaces leucine 225 with valine.
Molecular consequence: missense variant.
Genome position (GRCh38, 1-based): chr12:56,004,062, C>G. VCF-style: chr12-56004062-C-G. GRCh37 (hg19) VCF-style: chr12-56397846-C-G.
Other names: c.673C>G, p.Leu225Val (NM_000456.3, NM_001032387.2); c.673C>G (NM_000456.2); short protein forms L225V.
Identifiers: ClinVar variation 2195691 (VCV002195691.3), dbSNP rs781406229, ClinGen allele CA6621023.